The following is an entry in ClinVar:

ClinVar aggregate classification (germline): Uncertain significance (1 of 4 stars; one submission).

Submission:

Ambry Genetics
Classification: Uncertain significance. Last evaluated: 2022-05-17. Review status: criteria provided, single submitter. Criteria: Ambry Variant Classification Scheme 2023. Collection method: clinical testing. Allele origin: germline.
Comment: The p.G928S variant (also known as c.2782G>A), located in coding exon 4 of the ALPK2 gene, results from a G to A substitution at nucleotide position 2782. The glycine at codon 928 is replaced by serine, an amino acid with similar properties. This amino acid position is conserved. In addition, this alteration is predicted to be tolerated by in silico analysis. Since supporting evidence is limited at this time, the clinical significance of this alteration remains unclear.

NM_052947.4(ALPK2):c.2782G>A (p.Gly928Ser)

Gene: ALPK2 (alpha kinase 2; minus strand). Cytogenetic location: 18q21.31.
Variant type: single nucleotide variant.
Coding change: c.2782G>A on transcript NM_052947.4 (MANE Select); coding-DNA position 2782, G replaced by A.
Protein change: p.Gly928Ser; replaces glycine 928 with serine.
Molecular consequence: missense variant.
Genome position (GRCh38, 1-based): chr18:58,537,405, C>T on the plus strand (G>A on the coding strand, the complement: ALPK2 is on the minus strand). VCF-style: chr18-58537405-C-T. GRCh37 (hg19) VCF-style: chr18-56204637-C-T.
Other names: short protein forms G928S.
Identifiers: ClinVar variation 1795951 (VCV001795951.2), dbSNP rs2518877249, ClinGen allele CA402569795.
Genomic context (GRCh38, chr18:58,537,405, plus strand): 5'-AAGAAAGGAGCTGTGTTTCATCAAGCCCTCCTGAGTTGCTGGGGCTTGGCTGCTCCTGGC[C>T]AGCATGTACTGTGGAGGCCAGTGGGTAGGTGGAATTCTCCACCTTGGCTAGATTTTCTCC-3'
Protein context (NP_443179.3, residues 918-938): TYPLASTVHA[Gly928Ser]QEQPSPSNSG